The following is an entry in ClinVar:

ClinVar aggregate classification (germline): Pathogenic/Likely pathogenic. Review status: criteria provided, multiple submitters, no conflicts (2 of 4 stars). 5 submissions from 5 submitters: Pathogenic (1); Likely pathogenic (3). 1 of the submissions does not count toward it. Last evaluated 2025-07-27.

Conditions:
BCKDHA-related disorder. Also called: BCKDHA-related condition.
Maple syrup urine disease type 1A (MSUD1A). Also called: MSUD type 1A. Identifiers: MedGen C1855369, MONDO:0023691, OMIM 248600.
Maple syrup urine disease (MSUD). Identifiers: Orphanet 511, MedGen C0024776, MeSH D008375, MONDO:0009563. Disease mechanism: loss of function.

Allele frequency attached by ClinVar (database versions not stated): TOPMed 0.00001; ExAC 0.00002; ESP Exome Variant Server 0.00008; gnomAD 0.00001; gnomAD exomes 0.00002 and 0.00001.
gnomAD v4.1: 22 of 1,612,932 alleles (0.0014%); highest among the groups gnomAD compares: South Asian, 0.0044%; no homozygotes.

Submissions (5):

Labcorp Genetics (formerly Invitae), Labcorp
Classification: Pathogenic for Maple syrup urine disease. Last evaluated: 2025-07-27. Review status: criteria provided, single submitter. Criteria: Invitae Variant Classification Sherloc (09022015). Collection method: clinical testing. Allele origin: germline.
Comment: This sequence change replaces alanine, which is neutral and non-polar, with valine, which is neutral and non-polar, at codon 216 of the BCKDHA protein (p.Ala216Val). This variant is present in population databases (rs369448982, gnomAD 0.01%). This missense change has been observed in individual(s) with maple syrup urine disease and/or MSUD (PMID: 16786533, 31980395, 34556729). In at least one individual the data is consistent with being in trans (on the opposite chromosome) from a pathogenic variant. ClinVar contains an entry for this variant (Variation ID: 1323975). An algorithm developed to predict the effect of missense changes on protein structure and function (PolyPhen-2) suggests that this variant is likely to be tolerated. For these reasons, this variant has been classified as Pathogenic.

Natera, Inc.
Classification: Likely pathogenic for Maple syrup urine disease type 1A. Last evaluated: 2025-03-21. Review status: criteria provided, single submitter. Criteria: Natera Variant Classification Schema (03/2026). Collection method: clinical testing. Allele origin: germline.
Comment: The c.647C>T variant in BCKDHA is a missense variant predicted to cause substitution of alanine to valine at amino acid 216. This variant is rare in the general population with a frequency below the threshold expected for the associated phenotype(s). This variant has been observed in one or more individuals affected with the associated recessive disease, as either homozygous or compound heterozygous with a second variant (PMID: 34556729, 31980395). This variant has been identified in one or more affected individuals with a phenotype highly consistent with the associated gene (PMID: 34556729). Computational prediction algorithms indicate this variant is likely to affect gene or protein function. Given the available evidence, this variant is classified as Likely Pathogenic.

Fulgent Genetics
Classification: Likely pathogenic for Maple syrup urine disease type 1A. Last evaluated: 2024-02-24. Review status: criteria provided, single submitter. Criteria: ACMG Guidelines, 2015. Collection method: clinical testing. Allele origin: germline.

Revvity Omics, Revvity
Classification: Likely pathogenic for Maple syrup urine disease type 1A. Last evaluated: 2023-04-12. Review status: criteria provided, single submitter. Criteria: ACMG Guidelines, 2015. Collection method: clinical testing. Allele origin: germline.

PreventionGenetics, part of Exact Sciences
Classification: Pathogenic for BCKDHA-related condition. Last evaluated: 2024-01-30. Review status: no assertion criteria provided. Collection method: clinical testing. Allele origin: germline. Not counted in ClinVar's aggregate classification.
Comment: The BCKDHA c.647C>T variant is predicted to result in the amino acid substitution p.Ala216Val. This variant has been reported in patients with autosomal recessive maple syrup urine disease (Rodriguez-Pombo et al. 2006. PubMed ID: 16786533; Table S1, Strauss et al. 2020. PubMed ID: 31980395; Fang et al. 2021. PubMed ID: 34556729). This variant is reported in 0.013% of alleles in individuals of African descent in gnomAD. This variant is interpreted as pathogenic.

Literature cited by the submitters: PubMed 16786533 (cited by Labcorp Genetics (formerly Invitae), Labcorp); PubMed 31980395 (cited by Labcorp Genetics (formerly Invitae), Labcorp and Natera, Inc.); PubMed 34556729 (cited by Labcorp Genetics (formerly Invitae), Labcorp and Natera, Inc.).

NM_000709.4(BCKDHA):c.647C>T (p.Ala216Val)

Gene: BCKDHA (branched chain keto acid dehydrogenase E1 subunit alpha; plus strand). Cytogenetic location: 19q13.2.
Variant type: single nucleotide variant.
Coding change: c.647C>T on transcript NM_000709.4 (MANE Select); coding-DNA position 647, C replaced by T.
Protein change: p.Ala216Val; replaces alanine 216 with valine.
Molecular consequence: missense variant.
Genome position (GRCh38, 1-based): chr19:41,422,164, C>T. VCF-style: chr19-41422164-C-T. GRCh37 (hg19) VCF-style: chr19-41928069-C-T.
Other names: c.647C>T, p.Ala216Val (NM_001164783.2); c.647C>T (NM_000709.3); short protein forms A216V.
Identifiers: ClinVar variation 1323975 (VCV001323975.16), dbSNP rs369448982, ClinGen allele CA9461230.